The following is an entry in ClinVar:

ClinVar aggregate classification (germline): Uncertain significance. Review status: criteria provided, multiple submitters, no conflicts (2 of 4 stars). 2 submissions from 2 submitters: Uncertain significance (2). Last evaluated 2025-06-12.

Allele frequency attached by ClinVar (database versions not stated): ExAC 0.00004; TOPMed 0.00005; gnomAD 0.00007; 1000 Genomes Project 0.00020; 1000 Genomes Project 30x 0.00031.

Submissions (2):

Labcorp Genetics (formerly Invitae), Labcorp
Classification: Uncertain significance. Last evaluated: 2025-06-12. Review status: criteria provided, single submitter. Criteria: Invitae Variant Classification Sherloc (09022015). Collection method: clinical testing. Allele origin: germline.
Comment: This sequence change replaces arginine, which is basic and polar, with cysteine, which is neutral and slightly polar, at codon 93 of the CRB2 protein (p.Arg93Cys). This variant is present in population databases (rs576099498, gnomAD 0.009%). This variant has not been reported in the literature in individuals affected with CRB2-related conditions. ClinVar contains an entry for this variant (Variation ID: 2068401). Invitae Evidence Modeling of protein sequence and biophysical properties (such as structural, functional, and spatial information, amino acid conservation, physicochemical variation, residue mobility, and thermodynamic stability) indicates that this missense variant is not expected to disrupt CRB2 protein function with a negative predictive value of 80%. In summary, the available evidence is currently insufficient to determine the role of this variant in disease. Therefore, it has been classified as a Variant of Uncertain Significance.

Blueprint Genetics
Classification: Uncertain significance. Last evaluated: 2024-01-15. Review status: criteria provided, single submitter. Criteria: ACMG Guidelines, 2015. Collection method: clinical testing. Allele origin: germline.

NM_173689.7(CRB2):c.277C>T (p.Arg93Cys)

Gene: CRB2 (crumbs cell polarity complex component 2; plus strand). Cytogenetic location: 9q33.3.
Variant type: single nucleotide variant.
Coding change: c.277C>T on transcript NM_173689.7 (MANE Select); coding-DNA position 277, C replaced by T.
Protein change: p.Arg93Cys; replaces arginine 93 with cysteine.
Molecular consequence: missense variant.
Genome position (GRCh38, 1-based): chr9:123,363,047, C>T. VCF-style: chr9-123363047-C-T. GRCh37 (hg19) VCF-style: chr9-126125326-C-T.
Other names: short protein forms R93C.
Identifiers: ClinVar variation 2068401 (VCV002068401.5), dbSNP rs576099498, ClinGen allele CA5231594.
Genomic context (GRCh38, chr9:123,363,047, plus strand): 5'-ACCCAGCCATGCCACCACGGCGCTCTGTGTGTGCCCCAGGGTCCAGATCCCACCGGCTTC[C>T]GCTGCTACTGCGTGCCGGGTTTCCAGGGCCCACGCTGCGAGCTGGACATCGATGAGTGTG-3'
Protein context (NP_775960.4, residues 83-103): VPQGPDPTGF[Arg93Cys]CYCVPGFQGP